The following is an entry in ClinVar:

NM_020549.5(CHAT):c.1444dup (p.Arg482fs)

Gene: CHAT (choline O-acetyltransferase; plus strand). Cytogenetic location: 10q11.23.
Variant type: Duplication.
Coding change: c.1444dup on transcript NM_020549.5 (MANE Select); coding-DNA position 1444, one base duplicated (A; older notation c.1444dupA).
Protein change: p.Arg482fs; shifts the reading frame from arginine 482.
Molecular consequence: frameshift variant.
Genome position (GRCh38, 1-based): chr10:49,649,569, A duplicated. VCF-style (leftmost placement, unchanged base first): chr10-49649568-G-GA. GRCh37 (hg19) VCF-style: chr10-50857614-G-GA.
Other names: c.1090dup, p.Arg364fs (NM_001142929.2, NM_001142934.2, NM_020984.4 and 2 more transcripts); c.1198dup, p.Arg400fs (NM_001142933.2); short protein forms R364fs, R400fs, R482fs.
Identifiers: ClinVar variation 1805033 (VCV001805033.1), dbSNP rs2538864296, ClinGen allele CA1139771219.
Genomic context (GRCh38, chr10:49,649,568, plus strand): 5'-GACGCAGAGCAGCAGGAAGCTGATCCGAGCAGACTCCGTCAGCGAGCTCCCCGCCCCCCG[G>GA]AGGCTGCGGTGGAAATGCTCCCCGGAAATTCAAGGCCACTTAGCCTCCTCGGCAGAAAAA-3'

ClinVar aggregate classification (germline): Pathogenic (1 of 4 stars; one submission).

Conditions:
Familial infantile myasthenia (CMS6). Also called: MYASTHENIC SYNDROME, CONGENITAL, 6, PRESYNAPTIC; MYASTHENIC SYNDROME, PRESYNAPTIC, CONGENITAL, ASSOCIATED WITH EPISODIC APNEA; Congenital myasthenic syndrome type 6. Identifiers: Orphanet 590, MedGen C0393929, MONDO:0009689, OMIM 254210.

Submission:

Victorian Clinical Genetics Services, Murdoch Childrens Research Institute
Classification: Pathogenic for Familial infantile myasthenia. Last evaluated: 2021-05-06. Review status: criteria provided, single submitter. Criteria: ACMG Guidelines, 2015. Collection method: clinical testing. Allele origin: germline. Inheritance: Autosomal recessive inheritance.
Comment: Based on the classification scheme VCGS_Germline_v1.3.4, this variant is classified as Pathogenic. Following criteria are met: 0102 - Loss of function is a known mechanism of disease in this gene and is associated with presynaptic congenital myasthenic syndrome 6 (MIM#254210). (I) 0106 - This gene is associated with autosomal recessive disease. (I) 0201 - Variant is predicted to cause nonsense-mediated decay (NMD) and loss of protein (premature termination codon is located at least 54 nucleotides upstream of the final exon-exon junction). (SP) 0251 - This variant is heterozygous. (I) 0301 - Variant is absent from gnomAD (both v2 and v3). (SP) 0702 - Other NMD-predicted variants comparable to the one identified in this case have strong previous evidence for pathogenicity. These variants have been reported in multiple individuals with congenital myasthenic syndrome (ClinVar, PMID: 29189923). (SP) 0807 - This variant has no previous evidence of pathogenicity. (I) 0905 - No published segregation evidence has been identified for this variant. (I) 1007 - No published functional evidence has been identified for this variant. (I) Legend: (SP) - Supporting pathogenic, (I) - Information, (SB) - Supporting benign

Literature cited by the submitters: PubMed 29189923.